The following is an entry in ClinVar:

ClinVar aggregate classification (germline): Uncertain significance (1 of 4 stars; one submission).

Allele frequency attached by ClinVar (database versions not stated): TOPMed 0.00001.
gnomAD v4.1: 4 of 1,613,722 alleles (0.00025%); highest among the groups gnomAD compares: East Asian, 0.0022%; no homozygotes.

Submission:

Labcorp Genetics (formerly Invitae), Labcorp
Classification: Uncertain significance. Last evaluated: 2025-05-21. Review status: criteria provided, single submitter. Criteria: Invitae Variant Classification Sherloc (09022015). Collection method: clinical testing. Allele origin: germline.
Comment: This sequence change replaces arginine, which is basic and polar, with glycine, which is neutral and non-polar, at codon 1556 of the POLE protein (p.Arg1556Gly). This variant is present in population databases (no rsID available, gnomAD 0.006%). This variant has not been reported in the literature in individuals affected with POLE-related conditions. ClinVar contains an entry for this variant (Variation ID: 650370). Invitae Evidence Modeling of protein sequence and biophysical properties (such as structural, functional, and spatial information, amino acid conservation, physicochemical variation, residue mobility, and thermodynamic stability) indicates that this missense variant is not expected to disrupt POLE protein function with a negative predictive value of 80%. In summary, the available evidence is currently insufficient to determine the role of this variant in disease. Therefore, it has been classified as a Variant of Uncertain Significance.

NM_006231.4(POLE):c.4666C>G (p.Arg1556Gly)

Gene: POLE (DNA polymerase epsilon, catalytic subunit; minus strand). Cytogenetic location: 12q24.33.
Variant type: single nucleotide variant.
Coding change: c.4666C>G on transcript NM_006231.4 (MANE Select); coding-DNA position 4666, C replaced by G.
Protein change: p.Arg1556Gly; replaces arginine 1556 with glycine.
Molecular consequence: missense variant.
Genome position (GRCh38, 1-based): chr12:132,642,882, G>C on the plus strand (C>G on the coding strand, the complement: POLE is on the minus strand). VCF-style: chr12-132642882-G-C. GRCh37 (hg19) VCF-style: chr12-133219468-G-C.
Other names: short protein forms R1556G.
Identifiers: ClinVar variation 650370 (VCV000650370.8), dbSNP rs768741587, ClinGen allele CA387378906.